The following is an entry in ClinVar:

NM_052947.4(ALPK2):c.3973T>C (p.Trp1325Arg)

Genes: ALPK2 (alpha kinase 2; minus strand), LOC126862764 (BRD4-independent group 4 enhancer GRCh37_chr18:56202574-56203773; plus strand). Cytogenetic location: 18q21.31.
Variant type: single nucleotide variant.
Coding change: c.3973T>C on transcript NM_052947.4 (MANE Select); coding-DNA position 3973, T replaced by C.
Protein change: p.Trp1325Arg; replaces tryptophan 1325 with arginine.
Molecular consequence: missense variant.
Genome position (GRCh38, 1-based): chr18:58,536,214, A>G on the plus strand (T>C on the coding strand, the complement: ALPK2 is on the minus strand). VCF-style: chr18-58536214-A-G. GRCh37 (hg19) VCF-style: chr18-56203446-A-G.
Other names: short protein forms W1325R.
Identifiers: ClinVar variation 3228716 (VCV003228716.1), dbSNP rs563049567, ClinGen allele CA300926808.
Genomic context (GRCh38, chr18:58,536,214, plus strand): 5'-GGTCCACGGATGACTCCAGGAGTCTGGGTTGGCTGAAACCCCGGGAAGAAAGACTTCTCC[A>G]ATGTACACTGATGGTGGGCTCTTCGCCTTTATGGCTTTCTCTGCTATCAGCAAGGGCTGA-3'
Protein context (NP_443179.3, residues 1315-1335): KGEEPTISVH[Trp1325Arg]RSLSSRGFSQ

ClinVar aggregate classification (germline): Uncertain significance (1 of 4 stars; one submission).

Allele frequency attached by ClinVar (database versions not stated): gnomAD 0.00004.
gnomAD v4.1: 6 of 1,614,160 alleles (0.00037%); highest among the groups gnomAD compares: Admixed American, 0.01%; 1 homozygote.

Submission:

Ambry Genetics
Classification: Uncertain significance. Last evaluated: 2023-12-08. Review status: criteria provided, single submitter. Criteria: Ambry Variant Classification Scheme 2023. Collection method: clinical testing. Allele origin: germline.
Comment: The p.W1325R variant (also known as c.3973T>C), located in coding exon 4 of the ALPK2 gene, results from a T to C substitution at nucleotide position 3973. The tryptophan at codon 1325 is replaced by arginine, an amino acid with dissimilar properties. This amino acid position is conserved. In addition, this alteration is predicted to be tolerated by in silico analysis. Since supporting evidence is limited at this time, the clinical significance of this alteration remains unclear.